The following is an entry in ClinVar:

ClinVar aggregate classification (germline): Uncertain significance. Review status: criteria provided, multiple submitters, no conflicts (2 of 4 stars). 3 submissions from 3 submitters: Uncertain significance (2). 1 of the submissions does not count toward it. Last evaluated 2025-12-09.

Conditions:
Hereditary cancer-predisposing syndrome. Also called: Neoplastic Syndromes, Hereditary; Hereditary Cancer Syndrome; Tumor predisposition; Hereditary neoplastic syndrome. Identifiers: Orphanet 140162, MedGen C0027672, MeSH D009386, MONDO:0015356.
Bloom syndrome (BLM). Also called: Bloom-Torre-Machacek syndrome. Identifiers: Orphanet 125, MedGen C0005859, MONDO:0008876, OMIM 210900.

Allele frequency attached by ClinVar (database versions not stated): gnomAD exomes below 0.00001.
gnomAD v4.1: 6 of 1,614,074 alleles (0.00037%); highest among the groups gnomAD compares: Non-Finnish European, 0.00051%; no homozygotes.

Submissions (3):

Ambry Genetics
Classification: Uncertain significance for Hereditary cancer-predisposing syndrome. Last evaluated: 2025-12-09. Review status: criteria provided, single submitter. Criteria: Ambry Variant Classification Scheme 2023. Collection method: clinical testing. Allele origin: germline.
Comment: The p.K1148T variant (also known as c.3443A>C), located in coding exon 17 of the BLM gene, results from an A to C substitution at nucleotide position 3443. The lysine at codon 1148 is replaced by threonine, an amino acid with similar properties. This amino acid position is highly conserved in available vertebrate species. In addition, the in silico prediction for this alteration is inconclusive. Since supporting evidence is limited at this time, the clinical significance of this alteration remains unclear.

Labcorp Genetics (formerly Invitae), Labcorp
Classification: Uncertain significance for Bloom syndrome. Last evaluated: 2025-02-17. Review status: criteria provided, single submitter. Criteria: Invitae Variant Classification Sherloc (09022015). Collection method: clinical testing. Allele origin: germline.
Comment: This sequence change replaces lysine, which is basic and polar, with threonine, which is neutral and polar, at codon 1148 of the BLM protein (p.Lys1148Thr). This variant is not present in population databases (gnomAD no frequency). This variant has not been reported in the literature in individuals affected with BLM-related conditions. ClinVar contains an entry for this variant (Variation ID: 968770). Invitae Evidence Modeling of protein sequence and biophysical properties (such as structural, functional, and spatial information, amino acid conservation, physicochemical variation, residue mobility, and thermodynamic stability) indicates that this missense variant is expected to disrupt BLM protein function with a positive predictive value of 80%. In summary, the available evidence is currently insufficient to determine the role of this variant in disease. Therefore, it has been classified as a Variant of Uncertain Significance.

Natera, Inc.
Classification: Uncertain significance for Bloom syndrome. Last evaluated: 2019-10-04. Review status: no assertion criteria provided. Collection method: clinical testing. Allele origin: germline. Not counted in ClinVar's aggregate classification.

NM_000057.4(BLM):c.3443A>C (p.Lys1148Thr)

Gene: BLM (BLM RecQ like helicase; plus strand). Cytogenetic location: 15q26.1.
Variant type: single nucleotide variant.
Coding change: c.3443A>C on transcript NM_000057.4 (MANE Select); coding-DNA position 3443, A replaced by C.
Protein change: p.Lys1148Thr; replaces lysine 1148 with threonine.
Molecular consequence: missense variant. On other transcripts: intron variant (1).
Genome position (GRCh38, 1-based): chr15:90,803,605, A>C. VCF-style: chr15-90803605-A-C. GRCh37 (hg19) VCF-style: chr15-91346835-A-C.
Other names: c.3443A>C, p.Lys1148Thr (NM_001287246.2); c.2318A>C, p.Lys773Thr (NM_001287248.2); c.3358+5268A>C (NM_001287247.2); c.3443A>C (NM_000057.2); short protein forms K773T, K1148T.
Identifiers: ClinVar variation 968770 (VCV000968770.15), dbSNP rs1897215421, ClinGen allele CA393847604.